The following is an entry in ClinVar:

ClinVar aggregate classification (germline): Uncertain significance (1 of 4 stars; one submission).

Conditions:
Charcot-Marie-Tooth disease type 2. Also called: Charcot-Marie-Tooth type 2. Identifiers: Orphanet 64746, MedGen C0270914, MONDO:0018993.

Submission:

Labcorp Genetics (formerly Invitae), Labcorp
Classification: Uncertain significance for Charcot-Marie-Tooth disease type 2. Last evaluated: 2024-10-13. Review status: criteria provided, single submitter. Criteria: Invitae Variant Classification Sherloc (09022015). Collection method: clinical testing. Allele origin: germline.
Comment: This sequence change replaces arginine, which is basic and polar, with glycine, which is neutral and non-polar, at codon 474 of the GARS protein (p.Arg474Gly). This variant is not present in population databases (gnomAD no frequency). This variant has not been reported in the literature in individuals affected with GARS-related conditions. Invitae Evidence Modeling of protein sequence and biophysical properties (such as structural, functional, and spatial information, amino acid conservation, physicochemical variation, residue mobility, and thermodynamic stability) indicates that this missense variant is not expected to disrupt GARS protein function with a negative predictive value of 80%. In summary, the available evidence is currently insufficient to determine the role of this variant in disease. Therefore, it has been classified as a Variant of Uncertain Significance.

NM_002047.4(GARS1):c.1420C>G (p.Arg474Gly)

Gene: GARS1 (glycyl-tRNA synthetase 1; plus strand). Cytogenetic location: 7p14.3.
Variant type: single nucleotide variant.
Coding change: c.1420C>G on transcript NM_002047.4 (MANE Select); coding-DNA position 1420, C replaced by G.
Protein change: p.Arg474Gly; replaces arginine 474 with glycine.
Molecular consequence: missense variant.
Genome position (GRCh38, 1-based): chr7:30,621,453, C>G. VCF-style: chr7-30621453-C-G. GRCh37 (hg19) VCF-style: chr7-30661069-C-G.
Other names: c.1258C>G, p.Arg420Gly (NM_001316772.1); short protein forms R420G, R474G.
Identifiers: ClinVar variation 3712602 (VCV003712602.2).